The following is an entry in ClinVar:

NM_013436.5(NCKAP1):c.582A>G (p.Glu194=)

Gene: NCKAP1 (NCK associated protein 1; minus strand). Cytogenetic location: 2q32.1.
Variant type: single nucleotide variant.
Coding change: c.582A>G on transcript NM_013436.5 (MANE Select); coding-DNA position 582, A replaced by G.
Protein change: p.Glu194=; no amino-acid change (glutamic acid 194 retained).
Molecular consequence: synonymous variant.
Genome position (GRCh38, 1-based): chr2:183,001,974, T>C on the plus strand (A>G on the coding strand, the complement: NCKAP1 is on the minus strand). VCF-style: chr2-183001974-T-C. GRCh37 (hg19) VCF-style: chr2-183866702-T-C.
Other names: c.600A>G, p.Glu200= (NM_205842.3).
Identifiers: ClinVar variation 3034527 (VCV003034527.3), dbSNP rs141846108, ClinGen allele CA2014846.

ClinVar aggregate classification (germline): Likely benign. Review status: criteria provided, single submitter (1 of 4 stars). 2 submissions from 2 submitters: Likely benign (1). 1 of the submissions does not count toward it. Last evaluated 2023-06-19.

Conditions:
NCKAP1-related disorder. Also called: NCKAP1-related condition.

Allele frequency attached by ClinVar (database versions not stated): gnomAD exomes 0.00006; ExAC 0.00014; 1000 Genomes Project 0.00040; gnomAD 0.00055; TOPMed 0.00056; 1000 Genomes Project 30x 0.00062; ESP Exome Variant Server 0.00085.
gnomAD v4.1: 173 of 1,613,782 alleles (0.011%); highest among the groups gnomAD compares: African/African-American, 0.21%; 1 homozygote.

Submissions (2):

Blueprint Genetics
Classification: Likely benign. Last evaluated: 2023-06-19. Review status: criteria provided, single submitter. Criteria: ACMG Guidelines, 2015. Collection method: clinical testing. Allele origin: germline.

PreventionGenetics, part of Exact Sciences
Classification: Likely benign for NCKAP1-related condition. Last evaluated: 2019-07-29. Review status: no assertion criteria provided. Collection method: clinical testing. Allele origin: germline. Not counted in ClinVar's aggregate classification.
Comment: This variant is classified as likely benign based on ACMG/AMP sequence variant interpretation guidelines (Richards et al. 2015 PMID: 25741868, with internal and published modifications).